The following is an entry in ClinVar:

NM_013444.4(UBQLN2):c.1794A>T (p.Glu598Asp)

Gene: UBQLN2 (ubiquilin 2; plus strand). Cytogenetic location: Xp11.21.
Variant type: single nucleotide variant.
Coding change: c.1794A>T on transcript NM_013444.4 (MANE Select); coding-DNA position 1794, A replaced by T.
Protein change: p.Glu598Asp; replaces glutamic acid 598 with aspartic acid.
Molecular consequence: missense variant.
Genome position (GRCh38, 1-based): chrX:56,565,667, A>T. VCF-style: chrX-56565667-A-T. GRCh37 (hg19) VCF-style: chrX-56592100-A-T.
Other names: short protein forms E598D.
Identifiers: ClinVar variation 2091334 (VCV002091334.4), dbSNP rs2519963878, ClinGen allele CA413381314.

ClinVar aggregate classification (germline): Uncertain significance (1 of 4 stars; one submission).

Conditions:
Amyotrophic lateral sclerosis type 15. Also called: AMYOTROPHIC LATERAL SCLEROSIS 15 WITH FRONTOTEMPORAL DEMENTIA. Identifiers: Orphanet 803, MedGen C3275459, MONDO:0010459, OMIM 300857.

gnomAD v4.1: 1 of 1,212,271 alleles (0.000082%); highest among the groups gnomAD compares: Non-Finnish European, 0.00011%; no homozygotes.

Submission:

Labcorp Genetics (formerly Invitae), Labcorp
Classification: Uncertain significance for Amyotrophic lateral sclerosis type 15. Last evaluated: 2023-04-15. Review status: criteria provided, single submitter. Criteria: Invitae Variant Classification Sherloc (09022015). Collection method: clinical testing. Allele origin: germline.
Comment: This variant has not been reported in the literature in individuals affected with UBQLN2-related conditions. ClinVar contains an entry for this variant (Variation ID: 2091334). Advanced modeling of protein sequence and biophysical properties (such as structural, functional, and spatial information, amino acid conservation, physicochemical variation, residue mobility, and thermodynamic stability) performed at Invitae indicates that this missense variant is not expected to disrupt UBQLN2 protein function. In summary, the available evidence is currently insufficient to determine the role of this variant in disease. Therefore, it has been classified as a Variant of Uncertain Significance. This variant is not present in population databases (gnomAD no frequency). This sequence change replaces glutamic acid, which is acidic and polar, with aspartic acid, which is acidic and polar, at codon 598 of the UBQLN2 protein (p.Glu598Asp).